The following is an entry in ClinVar:

NM_013432.5(TONSL):c.3560-7G>A

Gene: TONSL (tonsoku like, DNA repair protein; minus strand). Cytogenetic location: 8q24.3.
Variant type: single nucleotide variant.
Coding change: c.3560-7G>A on transcript NM_013432.5 (MANE Select); 7 bases into the intron before coding-DNA position 3560, G replaced by A.
Molecular consequence: intron variant.
Genome position (GRCh38, 1-based): chr8:144,432,467, C>T on the plus strand (G>A on the coding strand, the complement: TONSL is on the minus strand). VCF-style: chr8-144432467-C-T. GRCh37 (hg19) VCF-style: chr8-145657850-C-T.
Identifiers: ClinVar variation 3019402 (VCV003019402.3), dbSNP rs550836987, ClinGen allele CA4942453.

ClinVar aggregate classification (germline): Uncertain significance (1 of 4 stars; one submission).

Allele frequency attached by ClinVar (database versions not stated): TOPMed below 0.00001; gnomAD 0.00001; gnomAD exomes 0.00001; ExAC 0.00003; 1000 Genomes Project 30x 0.00016; 1000 Genomes Project 0.00020.
gnomAD v4.1: 16 of 1,526,114 alleles (0.001%); highest among the groups gnomAD compares: East Asian, 0.007%; no homozygotes.

Submission:

Labcorp Genetics (formerly Invitae), Labcorp
Classification: Uncertain significance. Last evaluated: 2023-05-16. Review status: criteria provided, single submitter. Criteria: Invitae Variant Classification Sherloc (09022015). Collection method: clinical testing. Allele origin: germline.
Comment: Algorithms developed to predict the effect of sequence changes on RNA splicing suggest that this variant may create or strengthen a splice site. This variant has not been reported in the literature in individuals affected with TONSL-related conditions. This variant is present in population databases (rs550836987, gnomAD 0.007%). This sequence change falls in intron 22 of the TONSL gene. It does not directly change the encoded amino acid sequence of the TONSL protein. In summary, the available evidence is currently insufficient to determine the role of this variant in disease. Therefore, it has been classified as a Variant of Uncertain Significance.